The following is an entry in ClinVar:

NC_000012.11:g.(?_122284839)_(122288809_?)del

Gene: HPD (4-hydroxyphenylpyruvate dioxygenase; minus strand). Cytogenetic location: 12q24.31.
Variant type: Deletion.
Identifiers: ClinVar variation 3244254 (VCV003244254.1).

ClinVar aggregate classification (germline): Pathogenic (1 of 4 stars; one submission).

Conditions:
Tyrosinemia type III. Also called: 4-HYDROXYPHENYLPYRUVIC ACID OXIDASE DEFICIENCY; Tyrosinemia type 3; 4-alpha hydroxyphenylpyruvic acid oxidase deficiency; 4-alpha hydroxyphenylpyruvate dioxygenase deficiency; 4-Hydroxyphenylpyruvate dioxygenase deficiency. Identifiers: Orphanet 69723, MedGen C0268623, MONDO:0010162, OMIM 276710.
Hawkinsinuria. Identifiers: Orphanet 2118, MedGen C2931042, MONDO:0007700, OMIM 140350, HP:0034457.

Submission:

Labcorp Genetics (formerly Invitae), Labcorp
Classification: Pathogenic for Tyrosinemia type III; Hawkinsinuria. Last evaluated: 2023-02-06. Review status: criteria provided, single submitter. Criteria: Invitae Variant Classification Sherloc (09022015). Collection method: clinical testing. Allele origin: unknown.
Comment: This variant disrupts a region of the HPD protein in which other variant(s) (p.Tyr160Cys) have been determined to be pathogenic (PMID: 10942115, 28649543). This suggests that this is a clinically significant region of the protein, and that variants that disrupt it are likely to be disease-causing. For these reasons, this variant has been classified as Pathogenic. This variant results in the deletion of c.415-1113_760del of the HPD gene. It is expected to disrupt RNA splicing. Variants that disrupt the donor or acceptor splice site typically lead to a loss of protein function (PMID: 16199547), and loss-of-function variants in HPD are known to be pathogenic (PMID: 10942115, 23036342). This variant has not been reported in the literature in individuals affected with HPD-related conditions.

Literature cited by the submitters: PubMed 10942115; PubMed 28649543; PubMed 16199547; PubMed 23036342.